The following is an entry in ClinVar:

NM_001102416.3(KNG1):c.727T>G (p.Ser243Ala)

Gene: KNG1 (kininogen 1; plus strand). Cytogenetic location: 3q27.3.
Variant type: single nucleotide variant.
Coding change: c.727T>G on transcript NM_001102416.3 (MANE Select); coding-DNA position 727, T replaced by G.
Protein change: p.Ser243Ala; replaces serine 243 with alanine.
Molecular consequence: missense variant.
Genome position (GRCh38, 1-based): chr3:186,731,599, T>G. VCF-style: chr3-186731599-T-G. GRCh37 (hg19) VCF-style: chr3-186449388-T-G.
Other names: c.727T>G, p.Ser243Ala (NM_000893.4); c.619T>G, p.Ser207Ala (NM_001166451.2); short protein forms S207A, S243A.
Identifiers: ClinVar variation 2581707 (VCV002581707.1), dbSNP rs2473896827, ClinGen allele CA355722939.

ClinVar aggregate classification (germline): Uncertain significance (1 of 4 stars; one submission).

Allele frequency attached by ClinVar (database versions not stated): gnomAD exomes below 0.00001.

Submission:

Women's Health and Genetics/Laboratory Corporation of America, LabCorp
Classification: Uncertain significance. Last evaluated: 2023-08-15. Review status: criteria provided, single submitter. Criteria: LabCorp Variant Classification Summary - May 2015. Collection method: clinical testing. Allele origin: germline.
Comment: Variant summary: KNG1 c.727T>G (p.Ser243Ala) results in a conservative amino acid change located in the Cystatin domain of the encoded protein sequence. Five of five in-silico tools predict a benign effect of the variant on protein function. The variant was absent in 251284 control chromosomes. The available data on variant occurrences in the general population are insufficient to allow any conclusion about variant significance. To our knowledge, no occurrence of c.727T>G in individuals affected with High Molecular Weight Kininogen Deficiency and no experimental evidence demonstrating its impact on protein function have been reported. No submitters have cited clinical-significance assessments for this variant to ClinVar after 2014. Based on the evidence outlined above, the variant was classified as uncertain significance.